The following is an entry in ClinVar:

ClinVar aggregate classification (germline): Uncertain significance. Review status: criteria provided, multiple submitters, no conflicts (2 of 4 stars). 2 submissions from 2 submitters: Uncertain significance (2). Last evaluated 2025-09-08.

Conditions:
Wilms tumor 1 (WT1). Also called: Wilms tumor, somatic. Identifiers: Orphanet 654, MedGen CN033288, MONDO:0008679, OMIM 194070.
11p partial monosomy syndrome (WAGR). Also called: WAGR Complex; WAGR Spectrum Disorder; CHROMOSOME 11p13 DELETION SYNDROME; WAGR syndrome. Identifiers: Orphanet 893, MedGen C0206115, MONDO:0008681, OMIM 194072.
Frasier syndrome. Identifiers: Orphanet 347, MedGen C0950122, MeSH D052159, MONDO:0007635, OMIM 136680.
Drash syndrome (DDS). Also called: WILMS TUMOR AND PSEUDO- OR TRUE HERMAPHRODITISM; NEPHROPATHY, WILMS TUMOR, AND GENITAL ANOMALIES. Identifiers: Orphanet 220, MedGen C0950121, MONDO:0008682, OMIM 194080.

gnomAD v4.1: 4 of 1,613,874 alleles (0.00025%); highest among the groups gnomAD compares: Non-Finnish European, 0.00034%; no homozygotes.

Submissions (2):

Color Diagnostics, LLC DBA Color Health
Classification: Uncertain significance for Wilms tumor 1. Last evaluated: 2025-09-08. Review status: criteria provided, single submitter. Criteria: ACMG Guidelines, 2015. Collection method: clinical testing. Allele origin: germline.
Comment: This missense variant replaces proline with alanine at codon 226 of the WT1 protein. Computational prediction suggests that this variant may not impact protein structure and function. To our knowledge, functional studies have not been reported for this variant. This variant has not been reported in individuals affected with WT1-related disorders in the literature. This variant has not been identified in the general population by the Genome Aggregation Database (gnomAD). The available evidence is insufficient to determine the role of this variant in disease conclusively. Therefore, this variant is classified as a Variant of Uncertain Significance.

Labcorp Genetics (formerly Invitae), Labcorp
Classification: Uncertain significance for Wilms tumor 1; Drash syndrome; 11p partial monosomy syndrome; Frasier syndrome. Last evaluated: 2023-08-05. Review status: criteria provided, single submitter. Criteria: Invitae Variant Classification Sherloc (09022015). Collection method: clinical testing. Allele origin: germline.
Comment: In summary, the available evidence is currently insufficient to determine the role of this variant in disease. Therefore, it has been classified as a Variant of Uncertain Significance. An algorithm developed to predict the effect of missense changes on protein structure and function (PolyPhen-2) suggests that this variant is likely to be tolerated. ClinVar contains an entry for this variant (Variation ID: 645081). This variant has not been reported in the literature in individuals affected with WT1-related conditions. This variant is not present in population databases (gnomAD no frequency). This sequence change replaces proline, which is neutral and non-polar, with alanine, which is neutral and non-polar, at codon 226 of the WT1 protein (p.Pro226Ala).

NM_024426.6(WT1):c.691C>G (p.Pro231Ala)

Gene: WT1 (WT1 transcription factor; minus strand). Cytogenetic location: 11p13.
Variant type: single nucleotide variant.
Coding change: c.691C>G on transcript NM_024426.6 (MANE Select); coding-DNA position 691, C replaced by G.
Protein change: p.Pro231Ala; replaces proline 231 with alanine.
Molecular consequence: missense variant. On other transcripts: non-coding transcript variant (1).
Genome position (GRCh38, 1-based): chr11:32,428,590, G>C on the plus strand (C>G on the coding strand, the complement: WT1 is on the minus strand). VCF-style: chr11-32428590-G-C. GRCh37 (hg19) VCF-style: chr11-32450136-G-C.
Other names: c.691C>G, p.Pro231Ala (NM_000378.6, NM_001407044.1, NM_001407045.1 and 4 more transcripts); c.40C>G, p.Pro14Ala (NM_001198551.2, NM_001198552.2); c.-72C>G (NM_001407051.1); c.676C>G, p.Pro226Ala (NM_024425.2); short protein forms P14A, P231A, P226A.
Identifiers: ClinVar variation 645081 (VCV000645081.13), dbSNP rs766425764, ClinGen allele CA379963535.